The following is an entry in ClinVar:

NM_002691.4(POLD1):c.1033G>A (p.Gly345Arg)

Gene: POLD1 (DNA polymerase delta 1, catalytic subunit; plus strand). Cytogenetic location: 19q13.33.
Variant type: single nucleotide variant.
Coding change: c.1033G>A on transcript NM_002691.4 (MANE Select); coding-DNA position 1033, G replaced by A.
Protein change: p.Gly345Arg; replaces glycine 345 with arginine.
Molecular consequence: missense variant. On other transcripts: non-coding transcript variant (1).
Genome position (GRCh38, 1-based): chr19:50,403,115, G>A. VCF-style: chr19-50403115-G-A. GRCh37 (hg19) VCF-style: chr19-50906372-G-A.
Other names: c.1033G>A, p.Gly345Arg (NM_001256849.1, NM_001308632.1); short protein forms G345R.
Identifiers: ClinVar variation 1404366 (VCV001404366.8), dbSNP rs1422749121, ClinGen allele CA406978064.

ClinVar aggregate classification (germline): Uncertain significance (1 of 4 stars; one submission).

Conditions:
POLD1-related polyposis and colorectal cancer syndrome (CRCS10). Also called: Colorectal cancer, susceptibility to, 10; Colorectal cancer 10; COLORECTAL CANCER, SUSCEPTIBILITY TO, ON CHROMOSOME 19q. Identifiers: Orphanet 220460, MedGen C2675481, MONDO:0012953, OMIM 612591.

Submission:

Labcorp Genetics (formerly Invitae), Labcorp
Classification: Uncertain significance for POLD1-related polyposis and colorectal cancer syndrome. Last evaluated: 2022-10-17. Review status: criteria provided, single submitter. Criteria: Invitae Variant Classification Sherloc (09022015). Collection method: clinical testing. Allele origin: germline.
Comment: In summary, the available evidence is currently insufficient to determine the role of this variant in disease. Therefore, it has been classified as a Variant of Uncertain Significance. Advanced modeling of protein sequence and biophysical properties (such as structural, functional, and spatial information, amino acid conservation, physicochemical variation, residue mobility, and thermodynamic stability) performed at Invitae indicates that this missense variant is expected to disrupt POLD1 protein function. ClinVar contains an entry for this variant (Variation ID: 1404366). This variant has not been reported in the literature in individuals affected with POLD1-related conditions. This variant is not present in population databases (gnomAD no frequency). This sequence change replaces glycine, which is neutral and non-polar, with arginine, which is basic and polar, at codon 345 of the POLD1 protein (p.Gly345Arg).